The following is an entry in ClinVar:

NM_001374353.1(GLI2):c.3796C>T (p.Pro1266Ser)

Gene: GLI2 (GLI family zinc finger 2; plus strand). Cytogenetic location: 2q14.2.
Variant type: single nucleotide variant.
Coding change: c.3796C>T on transcript NM_001374353.1 (MANE Select); coding-DNA position 3796, C replaced by T.
Protein change: p.Pro1266Ser; replaces proline 1266 with serine.
Molecular consequence: missense variant.
Genome position (GRCh38, 1-based): chr2:120,989,761, C>T. VCF-style: chr2-120989761-C-T. GRCh37 (hg19) VCF-style: chr2-121747337-C-T.
Other names: c.3847C>T, p.Pro1283Ser (NM_001371271.1, NM_005270.5); c.3421C>T, p.Pro1141Ser (NM_001374354.1); short protein forms P1141S, P1266S, P1283S.
Identifiers: ClinVar variation 4885332 (VCV004885332.2).
Genomic context (GRCh38, chr2:120,989,761, plus strand): 5'-CTCAACCAGTTCCCCCAATCCTGCAGCAACATGCCAGCCAAGCCAGGGCATCTGGGGCAC[C>T]CTCAGCAGACAGAAGTGGCACCTGACCCCACCACGATGGGCAATCGCCACAGGGAACTTG-3'
Protein context (NP_001361282.1, residues 1256-1276): MPAKPGHLGH[Pro1266Ser]QQTEVAPDPT

ClinVar aggregate classification (germline): Uncertain significance (1 of 4 stars; one submission).

Submission:

Dasa
Classification: Uncertain significance. Last evaluated: 2025-01-20. Review status: criteria provided, single submitter. Criteria: DASA Assertion Criteria. Collection method: clinical testing. Allele origin: germline.
Comment: NM_001374353.1(GLI2):c.3796C>T (p.Pro1266Ser) is a missense variant that results in the substitution of proline with serine. This variant is absent from population databases. Computational prediction algorithms are consistent with a benign effect. The currently available literature and clinical evidence are not sufficient to establish a definitive association between this variant and the reported condition. Therefore, this variant is classified as a variant of uncertain significance.